The following is an entry in ClinVar:

ClinVar aggregate classification (germline): Pathogenic. Review status: reviewed by expert panel (3 of 4 stars). 3 submissions from 3 submitters: Pathogenic (1). 2 of the submissions do not count toward it. Last evaluated 2016-09-08.

Conditions:
Gastric cancer. Also called: Stomach cancer; Malignant tumor of stomach. Identifiers: MedGen C0024623, MeSH D013274, MONDO:0001056, OMIM 613659, HP:0012126.
Breast-ovarian cancer, familial, susceptibility to, 1 (BROVCA1). Also called: OVARIAN CANCER, SUSCEPTIBILITY TO; BRCA1 Hereditary Breast and Ovarian Cancer. Identifiers: Orphanet 145, MedGen C2676676, MONDO:0011450, OMIM 604370. Disease mechanism: loss of function.

Submissions (3):

Evidence-based Network for the Interpretation of Germline Mutant Alleles (ENIGMA)
Classification: Pathogenic for Breast-ovarian cancer, familial, susceptibility to, 1. Last evaluated: 2016-09-08. Review status: reviewed by expert panel. Criteria: ENIGMA BRCA1/2 Classification Criteria (2015). Collection method: curation. Allele origin: germline.
Comment: Variant allele predicted to encode a truncated non-functional protein.

Laboratory for Genotyping Development, RIKEN
Classification: Pathogenic for Gastric cancer. Last evaluated: 2021-07-01. Review status: no assertion criteria provided. Collection method: research. Allele origin: germline. Not counted in ClinVar's aggregate classification.

Breast Cancer Information Core (BIC) (BRCA1)
Classification: Pathogenic for Breast-ovarian cancer, familial 1. Last evaluated: 2004-02-20. Review status: no assertion criteria provided. Collection method: clinical testing. Allele origin: germline. Affected: yes. Observed: 1 variant allele. Not counted in ClinVar's aggregate classification.

Literature cited by the submitters: PubMed 36988593 (cited by Laboratory for Genotyping Development, RIKEN).

NM_007294.4(BRCA1):c.342_343del (p.Ser114_Pro115insTer)

Gene: BRCA1 (BRCA1 DNA repair associated; minus strand). Cytogenetic location: 17q21.31.
Variant type: Microsatellite.
Coding change: c.342_343del on transcript NM_007294.4 (MANE Select); coding-DNA positions 342 to 343, 2 bases deleted (TC; older notation c.342_343delTC).
Protein change: p.Ser114_Pro115insTer.
Molecular consequence: frameshift variant. On other transcripts: nonsense (357), non-coding transcript variant (1).
Genome position (GRCh38, 1-based): chr17:43,104,220-43,104,221, GA deleted on the plus strand (TC on the coding strand, the reverse complement: BRCA1 is on the minus strand); deleting any 2 consecutive bases within chr17:43,104,220-43,104,224 gives the same sequence; the c. name uses the placement nearest the transcript's 3' end. VCF-style (leftmost placement, unchanged base first): chr17-43104219-GGA-G. GRCh37 (hg19) VCF-style: chr17-41256236-GGA-G.
Other names: 461delTC; c.342_343delTC (NM_007294.3); c.129_130CT[1], p.Pro45Terfs (NM_001407908.1, NM_001407909.1, NM_001407910.1 and 58 more transcripts); c.339_340CT[1], p.Pro115Terfs (NM_001407919.1, NM_001407937.1, NM_001407938.1 and 163 more transcripts); c.198_199CT[1], p.Pro68Terfs (NM_001407920.1, NM_001407921.1, NM_001407922.1 and 98 more transcripts); c.-43_-42CT[1] (NM_001407959.1, NM_001407960.1, NM_001407962.1 and 4 more transcripts); c.330_331CT[1], p.Pro112Terfs (NM_001408408.1, NM_001407646.1, NM_001407647.1); c.261_262CT[1], p.Pro89Terfs (NM_001408409.1, NM_001408411.1, NM_001408412.1 and 21 more transcripts); and 3 more.
Identifiers: ClinVar variation 54882 (VCV000054882.22), dbSNP rs80357881, ClinGen allele CA002214.
Genomic context (GRCh38, chr17:43,104,219, plus strand): 5'-TTGGCACGGTTTCTGTAGCCCATACTTTGGATGATAGAAACTTCATCTTTTAGATGTTCA[GGA>G]GAGTTATTTTCCTTTTTTGCAAAATTATAGCTGTTTGCATCTGTAAAATACAAGGGAAAA-3'